The following is an entry in ClinVar:

NM_001127208.3(TET2):c.1667C>T (p.Thr556Ile)

Genes: TET2 (tet methylcytosine dioxygenase 2; plus strand), TET2-AS1 (TET2 antisense RNA 1; minus strand). Cytogenetic location: 4q24.
Variant type: single nucleotide variant.
Coding change: c.1667C>T on transcript NM_001127208.3 (MANE Select); coding-DNA position 1667, C replaced by T.
Protein change: p.Thr556Ile; replaces threonine 556 with isoleucine.
Molecular consequence: missense variant.
Genome position (GRCh38, 1-based): chr4:105,235,609, C>T. VCF-style: chr4-105235609-C-T. GRCh37 (hg19) VCF-style: chr4-106156766-C-T.
Other names: c.1667C>T, p.Thr556Ile (NM_017628.4); short protein forms T556I.
Identifiers: ClinVar variation 4825020 (VCV004825020.1).

ClinVar aggregate classification (germline): Uncertain significance (1 of 4 stars; one submission).

gnomAD v4.1: 1 of 1,614,180 alleles (0.000062%); highest among the groups gnomAD compares: East Asian, 0.0022%; no homozygotes.

Submission:

Ambry Genetics
Classification: Uncertain significance. Last evaluated: 2026-02-16. Review status: criteria provided, single submitter. Criteria: Ambry Variant Classification Scheme 2023. Collection method: clinical testing. Allele origin: germline.
Comment: The p.T556I variant (also known as c.1667C>T), located in coding exon 1 of the TET2 gene, results from a C to T substitution at nucleotide position 1667. The threonine at codon 556 is replaced by isoleucine, an amino acid with similar properties. This amino acid position is conserved. In addition, this alteration is predicted to be tolerated by in silico analysis. Based on the available evidence, the clinical significance of this variant remains unclear.